The following is an entry in ClinVar:

ClinVar aggregate classification (germline): Uncertain significance. Review status: criteria provided, multiple submitters, no conflicts (2 of 4 stars). 2 submissions from 2 submitters: Uncertain significance (2). Last evaluated 2024-02-22.

Conditions:
Long QT syndrome (LQTS). Identifiers: MedGen C0023976, MeSH D008133, MONDO:0002442. Disease mechanism: loss of function. Inheritance: Various modes of inheritance.

gnomAD v4.1: 6 of 1,614,068 alleles (0.00037%); highest among the groups gnomAD compares: Non-Finnish European, 0.00051%; no homozygotes.

Submissions (2):

All of Us Research Program, National Institutes of Health
Classification: Uncertain significance for Long QT syndrome. Last evaluated: 2024-02-22. Review status: criteria provided, single submitter. Criteria: ACMG Guidelines, 2015. Collection method: clinical testing. Allele origin: germline. Inheritance: Autosomal dominant inheritance. Observed: 1 variant allele, 1 heterozygote.
Comment: This missense variant replaces threonine with isoleucine at codon 513 of the KCNQ1 protein. Computational prediction suggests that this variant may have deleterious impact on protein structure and function (internally defined REVEL score threshold >= 0.7, PMID: 27666373). To our knowledge, functional studies have not been reported for this variant. This variant has not been reported in individuals affected with KCNQ1-related disorders in the literature. This variant has not been identified in the general population by the Genome Aggregation Database (gnomAD). The available evidence is insufficient to determine the role of this variant in disease conclusively. Therefore, this variant is classified as a Variant of Uncertain Significance.

This study involves interpretation of variants in research participants for the purpose of population health screening. Participant phenotype was not available at the time of variant classification. Additional details can be found in publication PMID: 35346344, PMCID: PMC8962531

Blueprint Genetics
Classification: Uncertain significance. Last evaluated: 2020-06-22. Review status: criteria provided, single submitter. Criteria: ACMG Guidelines, 2015. Collection method: clinical testing. Allele origin: germline.

NM_000218.3(KCNQ1):c.1538C>T (p.Thr513Ile)

Gene: KCNQ1 (potassium voltage-gated channel subfamily Q member 1; plus strand). Cytogenetic location: 11p15.5.
Variant type: single nucleotide variant.
Coding change: c.1538C>T on transcript NM_000218.3 (MANE Select); coding-DNA position 1538, C replaced by T.
Protein change: p.Thr513Ile; replaces threonine 513 with isoleucine.
Molecular consequence: missense variant.
Genome position (GRCh38, 1-based): chr11:2,768,867, C>T. VCF-style: chr11-2768867-C-T. GRCh37 (hg19) VCF-style: chr11-2790097-C-T.
Other names: c.1442C>T, p.Thr481Ile (NM_001406836.1); c.1268C>T, p.Thr423Ile (NM_001406837.1); c.998C>T, p.Thr333Ile (NM_001406838.1); c.1157C>T, p.Thr386Ile (NM_181798.2); short protein forms T333I, T386I, T423I, T481I, T513I.
Identifiers: ClinVar variation 3386943 (VCV003386943.2).